The following is an entry in ClinVar:

NM_000278.5(PAX2):c.562A>G (p.Asn188Asp)

Gene: PAX2 (paired box 2; plus strand). Cytogenetic location: 10q24.31.
Variant type: single nucleotide variant.
Coding change: c.562A>G on transcript NM_000278.5 (MANE Select); coding-DNA position 562, A replaced by G.
Protein change: p.Asn188Asp; replaces asparagine 188 with aspartic acid.
Molecular consequence: missense variant.
Genome position (GRCh38, 1-based): chr10:100,781,311, A>G. VCF-style: chr10-100781311-A-G. GRCh37 (hg19) VCF-style: chr10-102541068-A-G.
Other names: c.655A>G, p.Asn219Asp (NM_001304569.2); c.562A>G, p.Asn188Asp (NM_003987.5, NM_003988.5, NM_003989.5 and 1 more transcripts); short protein forms N188D, N219D.
Identifiers: ClinVar variation 2942077 (VCV002942077.3), dbSNP rs2493038543, ClinGen allele CA378258557.

ClinVar aggregate classification (germline): Uncertain significance (1 of 4 stars; one submission).

Conditions:
Renal coloboma syndrome (PAPRS). Also called: COLOBOMA OF OPTIC NERVE WITH RENAL DISEASE; OPTIC COLOBOMA, VESICOURETERAL REFLUX, AND RENAL ANOMALIES; OPTIC NERVE COLOBOMA WITH RENAL DISEASE; RENAL-COLOBOMA SYNDROME WITH MACULAR ABNORMALITIES; PAPILLORENAL SYNDROME; PAPILLORENAL SYNDROME WITH MILD OCULAR ABNORMALITIES. Identifiers: Orphanet 1475, MedGen C1852759, MONDO:0007352, OMIM 120330.
Focal segmental glomerulosclerosis 7 (FSGS7). Identifiers: Orphanet 656, MedGen C4014925, MONDO:0014451, OMIM 616002.

Submission:

Labcorp Genetics (formerly Invitae), Labcorp
Classification: Uncertain significance for Renal coloboma syndrome; Focal segmental glomerulosclerosis 7. Last evaluated: 2022-12-05. Review status: criteria provided, single submitter. Criteria: Invitae Variant Classification Sherloc (09022015). Collection method: clinical testing. Allele origin: germline.
Comment: This variant is not present in population databases (gnomAD no frequency). This sequence change replaces asparagine, which is neutral and polar, with aspartic acid, which is acidic and polar, at codon 188 of the PAX2 protein (p.Asn188Asp). This variant has not been reported in the literature in individuals affected with PAX2-related conditions. In summary, the available evidence is currently insufficient to determine the role of this variant in disease. Therefore, it has been classified as a Variant of Uncertain Significance. Experimental studies and prediction algorithms are not available or were not evaluated, and the functional significance of this variant is currently unknown.